The following is an entry in ClinVar:

NM_003098.3(SNTA1):c.1016G>A (p.Arg339His)

Gene: SNTA1 (syntrophin alpha 1; minus strand). Cytogenetic location: 20q11.21.
Variant type: single nucleotide variant.
Coding change: c.1016G>A on transcript NM_003098.3 (MANE Select); coding-DNA position 1016, G replaced by A.
Protein change: p.Arg339His; replaces arginine 339 with histidine.
Molecular consequence: missense variant.
Genome position (GRCh38, 1-based): chr20:33,412,320, C>T on the plus strand (G>A on the coding strand, the complement: SNTA1 is on the minus strand). VCF-style: chr20-33412320-C-T. GRCh37 (hg19) VCF-style: chr20-32000126-C-T.
Other names: c.1016G>A, p.Arg339His (NM_001424413.1, NM_001424414.1); short protein forms R339H.
Identifiers: ClinVar variation 2758927 (VCV002758927.4), dbSNP rs766113829, ClinGen allele CA9817078.
Genomic context (GRCh38, chr20:33,412,320, plus strand): 5'-TTCTGGGGGAGACATACTGCCCCTGCCTGTGGGTACCTGGTGGCGATGAGTGGGGCAGTA[C>T]GGGCTGGCCGGCTCAGGGCCTCGCGGGTCTCGGGGAGAGACAAGTAGAGGAGCAGTTCCT-3'
Protein context (NP_003089.1, residues 329-349): ETREALSRPA[Arg339His]TAPLIATRLV

ClinVar aggregate classification (germline): Uncertain significance. Review status: criteria provided, multiple submitters, no conflicts (2 of 4 stars). 2 submissions from 2 submitters: Uncertain significance (2). Last evaluated 2025-06-09.

Conditions:
Long QT syndrome (LQTS). Identifiers: MedGen C0023976, MeSH D008133, MONDO:0002442. Disease mechanism: loss of function. Inheritance: Various modes of inheritance.
Cardiovascular phenotype. Identifiers: MedGen CN230736.

Allele frequency attached by ClinVar (database versions not stated): ExAC 0.00002; TOPMed 0.00002.
gnomAD v4.1: 37 of 1,611,660 alleles (0.0023%); highest among the groups gnomAD compares: Non-Finnish European, 0.003%; no homozygotes.

Submissions (2):

Ambry Genetics
Classification: Uncertain significance for Cardiovascular phenotype. Last evaluated: 2025-06-09. Review status: criteria provided, single submitter. Criteria: Ambry Variant Classification Scheme 2023. Collection method: clinical testing. Allele origin: germline.
Comment: The p.R339H variant (also known as c.1016G>A), located in coding exon 5 of the SNTA1 gene, results from a G to A substitution at nucleotide position 1016. The arginine at codon 339 is replaced by histidine, an amino acid with highly similar properties. This amino acid position is conserved. In addition, this alteration is predicted to be tolerated by in silico analysis. Based on the available evidence, the clinical significance of this variant remains unclear.

Labcorp Genetics (formerly Invitae), Labcorp
Classification: Uncertain significance for Long QT syndrome. Last evaluated: 2023-11-17. Review status: criteria provided, single submitter. Criteria: Invitae Variant Classification Sherloc (09022015). Collection method: clinical testing. Allele origin: germline.
Comment: This sequence change replaces arginine, which is basic and polar, with histidine, which is basic and polar, at codon 339 of the SNTA1 protein (p.Arg339His). This variant is present in population databases (rs766113829, gnomAD 0.006%). This variant has not been reported in the literature in individuals affected with SNTA1-related conditions. Advanced modeling of protein sequence and biophysical properties (such as structural, functional, and spatial information, amino acid conservation, physicochemical variation, residue mobility, and thermodynamic stability) performed at Invitae indicates that this missense variant is not expected to disrupt SNTA1 protein function with a negative predictive value of 80%. In summary, the available evidence is currently insufficient to determine the role of this variant in disease. Therefore, it has been classified as a Variant of Uncertain Significance.